The following is an entry in ClinVar:

NM_004415.4(DSP):c.3757del (p.Ile1253fs)

Gene: DSP (desmoplakin; plus strand). Cytogenetic location: 6p24.3.
Variant type: Deletion.
Coding change: c.3757del on transcript NM_004415.4 (MANE Select); coding-DNA position 3757, one base deleted (A; older notation c.3757delA).
Protein change: p.Ile1253fs; shifts the reading frame from isoleucine 1253.
Molecular consequence: frameshift variant. On other transcripts: intron variant (1).
Genome position (GRCh38, 1-based): chr6:7,579,947, A deleted; the last of 3 consecutive A bases (chr6:7,579,945-7,579,947); deleting any one gives the same sequence. VCF-style (leftmost placement, unchanged base first): chr6-7579944-GA-G. GRCh37 (hg19) VCF-style: chr6-7580177-GA-G.
Other names: c.3757del, p.Ile1253fs (NM_001319034.2); c.3582+175del (NM_001008844.3); short protein forms I1253fs.
Identifiers: ClinVar variation 1451256 (VCV001451256.6), dbSNP rs2113692562, ClinGen allele CA2573140800.

ClinVar aggregate classification (germline): Pathogenic (1 of 4 stars; one submission).

Conditions:
Arrhythmogenic cardiomyopathy with wooly hair and keratoderma. Also called: Carvajal syndrome; Arrhythmogenic cardiomyopathy with woolly hair and keratoderma; PALMOPLANTAR KERATODERMA WITH LEFT VENTRICULAR CARDIOMYOPATHY AND WOOLLY HAIR; Dilated cardiomyopathy with woolly hair and keratoderma. Identifiers: Orphanet 65282, MedGen C1854063, MONDO:0011581, OMIM 605676.
Arrhythmogenic right ventricular dysplasia 8 (ARVD8). Also called: ARRHYTHMOGENIC RIGHT VENTRICULAR DYSPLASIA, FAMILIAL, 8; ARRHYTHMOGENIC RIGHT VENTRICULAR CARDIOMYOPATHY 8; Arrhythmogenic Right Ventricular Dysplasia/Cardiomyopathy 8. Identifiers: MedGen C1843896, MONDO:0011831, OMIM 607450.

Submission:

Labcorp Genetics (formerly Invitae), Labcorp
Classification: Pathogenic for Arrhythmogenic cardiomyopathy with wooly hair and keratoderma; Arrhythmogenic right ventricular dysplasia 8. Last evaluated: 2021-09-08. Review status: criteria provided, single submitter. Criteria: Invitae Variant Classification Sherloc (09022015). Collection method: clinical testing. Allele origin: germline.
Comment: For these reasons, this variant has been classified as Pathogenic. This variant has not been reported in the literature in individuals affected with DSP-related conditions. This variant is not present in population databases (ExAC no frequency). This sequence change creates a premature translational stop signal (p.Ile1253Leufs*32) in the DSP gene. It is expected to result in an absent or disrupted protein product. Loss-of-function variants in DSP are known to be pathogenic (PMID: 20716751, 24503780, 25227139).

Literature cited by the submitters: PubMed 20716751; PubMed 24503780; PubMed 25227139.